The following is an entry in ClinVar:

ClinVar aggregate classification (germline): Uncertain significance. Review status: criteria provided, multiple submitters, no conflicts (2 of 4 stars). 2 submissions from 2 submitters: Uncertain significance (2). Last evaluated 2025-11-26.

Conditions:
Inborn genetic diseases. Identifiers: MedGen C0950123, MeSH D030342.
Cone-rod dystrophy 2 (CORD2). Also called: CONE-ROD RETINAL DYSTROPHY; Cone-rod retinal dystrophy 2. Identifiers: Orphanet 1872, MedGen C3489532, MONDO:0007362, OMIM 120970.
Leber congenital amaurosis 7 (LCA7). Identifiers: Orphanet 65, MedGen C3151192, MONDO:0013449, OMIM 613829.

Allele frequency attached by ClinVar (database versions not stated): TOPMed below 0.00001; gnomAD 0.00001; gnomAD exomes 0.00001.
gnomAD v4.1: 89 of 1,614,016 alleles (0.0055%); highest among the groups gnomAD compares: Non-Finnish European, 0.0073%; no homozygotes.

Submissions (2):

Ambry Genetics
Classification: Uncertain significance for Inborn genetic diseases. Last evaluated: 2025-11-26. Review status: criteria provided, single submitter. Criteria: Ambry Variant Classification Scheme 2023. Collection method: clinical testing. Allele origin: germline.

Labcorp Genetics (formerly Invitae), Labcorp
Classification: Uncertain significance for Cone-rod dystrophy 2; Leber congenital amaurosis 7. Last evaluated: 2024-08-21. Review status: criteria provided, single submitter. Criteria: Invitae Variant Classification Sherloc (09022015). Collection method: clinical testing. Allele origin: germline.
Comment: This sequence change replaces alanine, which is neutral and non-polar, with valine, which is neutral and non-polar, at codon 247 of the CRX protein (p.Ala247Val). This variant is present in population databases (no rsID available, gnomAD 0.003%). This missense change has been observed in individual(s) with retinal disease (internal data). ClinVar contains an entry for this variant (Variation ID: 1011387). Invitae Evidence Modeling of protein sequence and biophysical properties (such as structural, functional, and spatial information, amino acid conservation, physicochemical variation, residue mobility, and thermodynamic stability) indicates that this missense variant is not expected to disrupt CRX protein function with a negative predictive value of 80%. In summary, the available evidence is currently insufficient to determine the role of this variant in disease. Therefore, it has been classified as a Variant of Uncertain Significance.

NM_000554.6(CRX):c.740C>T (p.Ala247Val)

Gene: CRX (cone-rod homeobox; plus strand). Cytogenetic location: 19q13.33.
Variant type: single nucleotide variant.
Coding change: c.740C>T on transcript NM_000554.6 (MANE Select); coding-DNA position 740, C replaced by T.
Protein change: p.Ala247Val; replaces alanine 247 with valine.
Molecular consequence: missense variant.
Genome position (GRCh38, 1-based): chr19:47,839,807, C>T. VCF-style: chr19-47839807-C-T. GRCh37 (hg19) VCF-style: chr19-48343064-C-T.
Other names: c.740C>T (NM_000554.4); short protein forms A247V.
Identifiers: ClinVar variation 1011387 (VCV001011387.9), dbSNP rs1196719242, ClinGen allele CA406631694.